The following is an entry in ClinVar:

ClinVar aggregate classification (germline): Uncertain significance (1 of 4 stars; one submission).

Allele frequency attached by ClinVar (database versions not stated): TOPMed 0.00003; gnomAD exomes 0.00005 and 0.00001; ExAC 0.00001; gnomAD 0.00001 and 0.00002.
gnomAD v4.1: 50 of 1,209,601 alleles (0.0041%); highest among the groups gnomAD compares: Non-Finnish European, 0.0055%; no homozygotes.

Submission:

GeneDx
Classification: Uncertain significance. Last evaluated: 2016-08-31. Review status: criteria provided, single submitter. Criteria: GeneDx Variant Classification (06012015). Collection method: clinical testing. Allele origin: germline. Affected: yes.
Comment: The R603Q variant in the BRWD3 gene has not been reported previously as a pathogenic variant, nor as a benign variant, to our knowledge. The R603Q variant was not observed in approximately 6500 individuals of European and African American ancestry in the NHLBI Exome Sequencing Project, indicating it is not a common benign variant in these populations. The R603Q variant is a semi-conservative amino acid substitution, which may impact secondary protein structure as these residues differ in some properties. This substitution occurs at a position that is conserved across species, and in silico analysis predicts this variant is probably damaging to the protein structure/function. We interpret R603Q as a variant of uncertain significance.

NM_153252.5(BRWD3):c.1808G>A (p.Arg603Gln)

Gene: BRWD3 (bromodomain and WD repeat domain containing 3; minus strand). Cytogenetic location: Xq21.1.
Variant type: single nucleotide variant.
Coding change: c.1808G>A on transcript NM_153252.5 (MANE Select); coding-DNA position 1808, G replaced by A.
Protein change: p.Arg603Gln; replaces arginine 603 with glutamine.
Molecular consequence: missense variant.
Genome position (GRCh38, 1-based): chrX:80,722,630, C>T on the plus strand (G>A on the coding strand, the complement: BRWD3 is on the minus strand). VCF-style: chrX-80722630-C-T. GRCh37 (hg19) VCF-style: chrX-79978129-C-T.
Other names: short protein forms R603Q.
Identifiers: ClinVar variation 388876 (VCV000388876.2), dbSNP rs767175895, ClinGen allele CA10462132.